The following is an entry in ClinVar:

ClinVar aggregate classification (germline): Likely benign (1 of 4 stars; one submission).

Conditions:
UNC13A-related disorder. Also called: UNC13A-related condition.

Submission:

PreventionGenetics, part of Exact Sciences
Classification: Likely benign for UNC13A-related condition. Last evaluated: 2025-02-13. Review status: criteria provided, single submitter. Criteria: ACMG Guidelines, 2015. Collection method: clinical testing. Allele origin: germline.
Comment: This variant is classified as likely benign based on ACMG/AMP sequence variant interpretation guidelines (Richards et al. 2015 PMID: 25741868, with internal and published modifications).

NM_001080421.3(UNC13A):c.4998C>G (p.Leu1666=)

Gene: UNC13A (unc-13 homolog A; minus strand). Cytogenetic location: 19p13.11.
Variant type: single nucleotide variant.
Coding change: c.4998C>G on transcript NM_001080421.3 (MANE Select); coding-DNA position 4998, C replaced by G.
Protein change: p.Leu1666=; no amino-acid change (leucine 1666 retained).
Molecular consequence: synonymous variant.
Genome position (GRCh38, 1-based): chr19:17,606,168, G>C on the plus strand (C>G on the coding strand, the complement: UNC13A is on the minus strand). VCF-style: chr19-17606168-G-C. GRCh37 (hg19) VCF-style: chr19-17716977-G-C.
Other names: c.4986C>G, p.Leu1662= (NM_001387021.1); c.4983C>G, p.Leu1661= (NM_001387022.1); c.4917C>G, p.Leu1639= (NM_001387023.1).
Identifiers: ClinVar variation 4983824 (VCV004983824.1).
Genomic context (GRCh38, chr19:17,606,168, plus strand): 5'-CTTCACGAACTCCTTGGCCACCTCGTCGTTGCTGCGCTGCGAGAGGATTCGCAGCACCGT[G>C]AGGCCCGTGTCGTCCATGTGGATGCGGCGGCCGAGCGGCAGCCAGCAGGCGGCGCTCCCG-3'
Protein context (NP_001073890.2, residues 1656-1676): GRRIHMDDTG[Leu1666=]TVLRILSQRS